The following is an entry in ClinVar:

ClinVar aggregate classification (germline): Uncertain significance (1 of 4 stars; one submission).

Submission:

CeGaT Center for Human Genetics Tuebingen
Classification: Uncertain significance. Last evaluated: 2025-12-01. Review status: criteria provided, single submitter. Criteria: CeGaT Center For Human Genetics Tuebingen Variant Classification Criteria Version 2. Collection method: clinical testing. Allele origin: germline. Affected: yes. Observed: 1 variant allele.
Comment: VPS13A: PM2, PM4, PM3:Supporting

NM_033305.3(VPS13A):c.8719_8730del (p.Lys2907_Val2910del)

Gene: VPS13A (vacuolar protein sorting 13 homolog A; plus strand). Cytogenetic location: 9q21.2.
Variant type: Deletion.
Coding change: c.8719_8730del on transcript NM_033305.3 (MANE Select); coding-DNA positions 8719 to 8730, 12 bases deleted (AAGGCACTAGTT).
Protein change: p.Lys2907_Val2910del.
Genome position (GRCh38, 1-based): chr9:77,370,308-77,370,319, AAGGCACTAGTT deleted; deleting any 12 consecutive bases within chr9:77,370,306-77,370,319 gives the same sequence; the c. name uses the placement nearest the transcript's 3' end. VCF-style (leftmost placement, unchanged base first): chr9-77370305-CTTAAGGCACTAG-C. GRCh37 (hg19) VCF-style: chr9-79985221-CTTAAGGCACTAG-C.
Other names: c.8602_8613del, p.Lys2868_Val2871del (NM_001018037.2); c.8719_8730del, p.Lys2907_Val2910del (NM_001018038.3, NM_015186.4).
Identifiers: ClinVar variation 4682051 (VCV004682051.5).